The following is an entry in ClinVar:

NM_001005361.3(DNM2):c.934G>A (p.Glu312Lys)

Gene: DNM2 (dynamin 2; plus strand). Cytogenetic location: 19p13.2.
Variant type: single nucleotide variant.
Coding change: c.934G>A on transcript NM_001005361.3 (MANE Select); coding-DNA position 934, G replaced by A.
Protein change: p.Glu312Lys; replaces glutamic acid 312 with lysine.
Molecular consequence: missense variant.
Genome position (GRCh38, 1-based): chr19:10,786,648, G>A. VCF-style: chr19-10786648-G-A. GRCh37 (hg19) VCF-style: chr19-10897324-G-A.
Other names: c.934G>A, p.Glu312Lys (NM_001005360.3, NM_001005362.3, NM_001190716.2 and 1 more transcripts); short protein forms E312K.
Identifiers: ClinVar variation 411953 (VCV000411953.13), dbSNP rs370636702, ClinGen allele CA9200932.

ClinVar aggregate classification (germline): Uncertain significance. Review status: criteria provided, multiple submitters, no conflicts (2 of 4 stars). 3 submissions from 3 submitters: Uncertain significance (3). Last evaluated 2025-12-29.

Conditions:
Charcot-Marie-Tooth disease dominant intermediate B (CMTDIB). Also called: CHARCOT-MARIE-TOOTH NEUROPATHY, DOMINANT INTERMEDIATE B; Charcot-Marie-Tooth disease dominant intermediate 1; CMT DI1; Charcot-Marie-Tooth disease dominant intermediate I. Identifiers: Orphanet 100044, Orphanet 228179, MedGen C1847902, MONDO:0011674, OMIM 606482.
Inborn genetic diseases. Identifiers: MedGen C0950123, MeSH D030342.

Allele frequency attached by ClinVar (database versions not stated): TOPMed below 0.00001; gnomAD 0.00001; ExAC 0.00002; ESP Exome Variant Server 0.00008; gnomAD exomes 0.00001.
gnomAD v4.1: 15 of 1,614,014 alleles (0.00093%); highest among the groups gnomAD compares: Non-Finnish European, 0.0012%; no homozygotes.

Submissions (3):

Ambry Genetics
Classification: Uncertain significance for Inborn genetic diseases. Last evaluated: 2025-12-29. Review status: criteria provided, single submitter. Criteria: Ambry Variant Classification Scheme 2023. Collection method: clinical testing. Allele origin: germline.

Labcorp Genetics (formerly Invitae), Labcorp
Classification: Uncertain significance for Charcot-Marie-Tooth disease dominant intermediate B. Last evaluated: 2025-07-30. Review status: criteria provided, single submitter. Criteria: Invitae Variant Classification Sherloc (09022015). Collection method: clinical testing. Allele origin: germline.
Comment: This sequence change replaces glutamic acid, which is acidic and polar, with lysine, which is basic and polar, at codon 312 of the DNM2 protein (p.Glu312Lys). This variant is present in population databases (rs370636702, gnomAD 0.003%). This variant has not been reported in the literature in individuals affected with DNM2-related conditions. ClinVar contains an entry for this variant (Variation ID: 411953). Invitae Evidence Modeling of protein sequence and biophysical properties (such as structural, functional, and spatial information, amino acid conservation, physicochemical variation, residue mobility, and thermodynamic stability) indicates that this missense variant is not expected to disrupt DNM2 protein function with a negative predictive value of 95%. In summary, the available evidence is currently insufficient to determine the role of this variant in disease. Therefore, it has been classified as a Variant of Uncertain Significance.

Revvity Omics, Revvity
Classification: Uncertain significance. Last evaluated: 2020-11-19. Review status: criteria provided, single submitter. Criteria: ACMG Guidelines, 2015. Collection method: clinical testing. Allele origin: germline.